The following is an entry in ClinVar:

NM_002834.5(PTPN11):c.332+3C>T

Gene: PTPN11 (protein tyrosine phosphatase non-receptor type 11; plus strand). Cytogenetic location: 12q24.13.
Variant type: single nucleotide variant.
Coding change: c.332+3C>T on transcript NM_002834.5 (MANE Select); 3 bases into the intron after coding-DNA position 332, C replaced by T.
Molecular consequence: intron variant.
Genome position (GRCh38, 1-based): chr12:112,450,515, C>T. VCF-style: chr12-112450515-C-T. GRCh37 (hg19) VCF-style: chr12-112888319-C-T.
Other names: c.332+3C>T (NM_001330437.2, NM_080601.3); c.329+3C>T (NM_001374625.1).
Identifiers: ClinVar variation 3017352 (VCV003017352.3), dbSNP rs375553813, ClinGen allele CA6798535.

ClinVar aggregate classification (germline): Uncertain significance (1 of 4 stars; one submission).

Conditions:
RASopathy. Also called: rasopathies; Noonan spectrum disorder. Identifiers: Orphanet 536391, MedGen C5555857, MONDO:0021060.

Allele frequency attached by ClinVar (database versions not stated): TOPMed below 0.00001; ExAC 0.00001; ESP Exome Variant Server 0.00008.

Submission:

Labcorp Genetics (formerly Invitae), Labcorp
Classification: Uncertain significance for RASopathy. Last evaluated: 2025-01-06. Review status: criteria provided, single submitter. Criteria: Invitae Variant Classification Sherloc (09022015). Collection method: clinical testing. Allele origin: germline.
Comment: This sequence change falls in intron 3 of the PTPN11 gene. It does not directly change the encoded amino acid sequence of the PTPN11 protein. It affects a nucleotide within the consensus splice site. This variant is present in population databases (rs375553813, gnomAD 0.0009%). This variant has not been reported in the literature in individuals affected with PTPN11-related conditions. ClinVar contains an entry for this variant (Variation ID: 3017352). Variants that disrupt the consensus splice site are a relatively common cause of aberrant splicing (PMID: 17576681, 9536098). Algorithms developed to predict the effect of sequence changes on RNA splicing suggest that this variant is not likely to affect RNA splicing. In summary, the available evidence is currently insufficient to determine the role of this variant in disease. Therefore, it has been classified as a Variant of Uncertain Significance.

Literature cited by the submitters: PubMed 17576681; PubMed 9536098.